The following is an entry in ClinVar:

NM_144997.7(FLCN):c.1473C>T (p.Thr491=)

Gene: FLCN (folliculin; minus strand). Cytogenetic location: 17p11.2.
Variant type: single nucleotide variant.
Coding change: c.1473C>T on transcript NM_144997.7 (MANE Select); coding-DNA position 1473, C replaced by T.
Protein change: p.Thr491=; no amino-acid change (threonine 491 retained).
Molecular consequence: synonymous variant.
Genome position (GRCh38, 1-based): chr17:17,215,050, G>A on the plus strand (C>T on the coding strand, the complement: FLCN is on the minus strand). VCF-style: chr17-17215050-G-A. GRCh37 (hg19) VCF-style: chr17-17118364-G-A.
Other names: c.1527C>T, p.Thr509= (NM_001353229.2); c.1473C>T, p.Thr491= (NM_001353230.2, NM_001353231.2).
Identifiers: ClinVar variation 1773403 (VCV001773403.3), dbSNP rs2544141863, ClinGen allele CA498421050.

ClinVar aggregate classification (germline): Benign/Likely benign. Review status: criteria provided, multiple submitters, no conflicts (2 of 4 stars). 2 submissions from 2 submitters: Benign (1); Likely benign (1). Last evaluated 2024-10-25.

Conditions:
Hereditary cancer-predisposing syndrome. Also called: Hereditary Cancer Syndrome; Hereditary neoplastic syndrome; Neoplastic Syndromes, Hereditary; Tumor predisposition. Identifiers: Orphanet 140162, MedGen C0027672, MeSH D009386, MONDO:0015356.
Birt-Hogg-Dube syndrome 1 (BHD1). Also called: FIBROFOLLICULOMAS WITH TRICHODISCOMAS AND ACROCHORDONS. Identifiers: Orphanet 122, MedGen CN375946, MONDO:0800445, OMIM 135150.

Submissions (2):

Myriad Genetics, Inc.
Classification: Benign for Birt-Hogg-Dube syndrome 1. Last evaluated: 2024-10-25. Review status: criteria provided, single submitter. Criteria: Myriad Autosomal Dominant, Autosomal Recessive and X-Linked Classification Criteria (2023). Collection method: clinical testing. Allele origin: unknown.
Comment: This variant is considered benign. This variant is a silent/synonymous amino acid change and it is not expected to impact splicing.

Ambry Genetics
Classification: Likely benign for Hereditary cancer-predisposing syndrome. Last evaluated: 2020-01-08. Review status: criteria provided, single submitter. Criteria: Ambry Variant Classification Scheme 2023. Collection method: clinical testing. Allele origin: germline.